The following is an entry in ClinVar:

NM_000153.4(GALC):c.754G>C (p.Ala252Pro)

Gene: GALC (galactosylceramidase; minus strand). Cytogenetic location: 14q31.3.
Variant type: single nucleotide variant.
Coding change: c.754G>C on transcript NM_000153.4 (MANE Select); coding-DNA position 754, G replaced by C.
Protein change: p.Ala252Pro; replaces alanine 252 with proline.
Molecular consequence: missense variant.
Genome position (GRCh38, 1-based): chr14:87,968,489, C>G on the plus strand (G>C on the coding strand, the complement: GALC is on the minus strand). VCF-style: chr14-87968489-C-G. GRCh37 (hg19) VCF-style: chr14-88434833-C-G.
Other names: c.685G>C, p.Ala229Pro (NM_001201401.2); c.676G>C, p.Ala226Pro (NM_001201402.2); short protein forms A226P, A229P, A252P.
Identifiers: ClinVar variation 1683763 (VCV001683763.2), dbSNP rs866358110, ClinGen allele CA390748267.
Genomic context (GRCh38, chr14:87,968,489, plus strand): 5'-ACCAAAGCTTCTTCCCAGTCAACTTTGCATCTTTTGCTGAATGGGTTCCAGGATAATGAG[C>G]CCTAGAAAAAAAAAGGGTGGAAGTCAATGAAAAAAGGTCACGACGTGGCACTTATATACG-3'
Protein context (NP_000144.2, residues 242-262): ELFKVVDVIG[Ala252Pro]HYPGTHSAKD

ClinVar aggregate classification (germline): Uncertain significance (1 of 4 stars; one submission).

Conditions:
Galactosylceramide beta-galactosidase deficiency. Also called: Leukodystrophy, Globoid Cell; GALACTOCEREBROSIDASE DEFICIENCY; GALC DEFICIENCY; GLOBOID CELL LEUKOENCEPHALOPATHY; Krabbe Disease. Identifiers: Orphanet 487, MedGen C0023521, MONDO:0009499, OMIM 245200.

Submission:

Laboratorio de Genetica e Diagnostico Molecular, Hospital Israelita Albert Einstein
Classification: Uncertain significance for Galactosylceramide beta-galactosidase deficiency. Last evaluated: 2021-05-21. Review status: criteria provided, single submitter. Criteria: ACMG Guidelines, 2015. Collection method: clinical testing. Allele origin: germline. Affected: yes.
Comment: ACMG classification criteria: PM2 moderate, PP3 supporting, PP4 supporting